The following is an entry in ClinVar:

NM_004837.4(GGPS1):c.268A>G (p.Asn90Asp)

Gene: GGPS1 (geranylgeranyl diphosphate synthase 1; plus strand). Cytogenetic location: 1q42.3.
Variant type: single nucleotide variant.
Coding change: c.268A>G on transcript NM_004837.4 (MANE Select); coding-DNA position 268, A replaced by G.
Protein change: p.Asn90Asp; replaces asparagine 90 with aspartic acid.
Molecular consequence: missense variant.
Genome position (GRCh38, 1-based): chr1:235,342,137, A>G. VCF-style: chr1-235342137-A-G. GRCh37 (hg19) VCF-style: chr1-235505452-A-G.
Other names: c.268A>G, p.Asn90Asp (NM_001037277.1, NM_001371477.1, NM_001371478.1); c.106A>G, p.Asn36Asp (NM_001037278.2); short protein forms N90D, N36D.
Identifiers: ClinVar variation 3572677 (VCV003572677.2).

ClinVar aggregate classification (germline): Uncertain significance (1 of 4 stars; one submission).

gnomAD v4.1: 16 of 1,614,160 alleles (0.00099%); highest among the groups gnomAD compares: Non-Finnish European, 0.001%; no homozygotes.

Submission:

GeneDx
Classification: Uncertain significance. Last evaluated: 2026-08-06. Review status: criteria provided, single submitter. Criteria: GeneDx Variant Classification Process June 2021. Collection method: clinical testing. Allele origin: germline.
Comment: In silico analysis supports that this missense variant has a deleterious effect on protein structure/function; Has not been previously published as pathogenic or benign to our knowledge